The following is an entry in ClinVar:

NM_002855.5(NECTIN1):c.943A>C (p.Ile315Leu)

Gene: NECTIN1 (nectin cell adhesion molecule 1; minus strand). Cytogenetic location: 11q23.3.
Variant type: single nucleotide variant.
Coding change: c.943A>C on transcript NM_002855.5 (MANE Select); coding-DNA position 943, A replaced by C.
Protein change: p.Ile315Leu; replaces isoleucine 315 with leucine.
Molecular consequence: missense variant.
Genome position (GRCh38, 1-based): chr11:119,675,219, T>G on the plus strand (A>C on the coding strand, the complement: NECTIN1 is on the minus strand). VCF-style: chr11-119675219-T-G. GRCh37 (hg19) VCF-style: chr11-119545929-T-G.
Other names: c.943A>C, p.Ile315Leu (NM_203285.2, NM_203286.2); short protein forms I315L.
Identifiers: ClinVar variation 4811663 (VCV004811663.1).

ClinVar aggregate classification (germline): Uncertain significance (1 of 4 stars; one submission).

Submission:

Labcorp Genetics (formerly Invitae), Labcorp
Classification: Uncertain significance. Last evaluated: 2025-06-14. Review status: criteria provided, single submitter. Criteria: Invitae Variant Classification Sherloc (09022015). Collection method: clinical testing. Allele origin: germline.
Comment: This sequence change replaces isoleucine, which is neutral and non-polar, with leucine, which is neutral and non-polar, at codon 315 of the NECTIN1 protein (p.Ile315Leu). This variant is not present in population databases (gnomAD no frequency). This variant has not been reported in the literature in individuals affected with NECTIN1-related conditions. An algorithm developed to predict the effect of missense changes on protein structure and function (PolyPhen-2) suggests that this variant is likely to be tolerated. In summary, the available evidence is currently insufficient to determine the role of this variant in disease. Therefore, it has been classified as a Variant of Uncertain Significance.